The following is an entry in ClinVar:

NM_001099271.2(POC5):c.133G>A (p.Glu45Lys)

Gene: POC5 (POC5 centriolar protein; minus strand). Cytogenetic location: 5q13.3.
Variant type: single nucleotide variant.
Coding change: c.133G>A on transcript NM_001099271.2 (MANE Select); coding-DNA position 133, G replaced by A.
Protein change: p.Glu45Lys; replaces glutamic acid 45 with lysine.
Molecular consequence: missense variant.
Genome position (GRCh38, 1-based): chr5:75,707,827, C>T on the plus strand (G>A on the coding strand, the complement: POC5 is on the minus strand). VCF-style: chr5-75707827-C-T. GRCh37 (hg19) VCF-style: chr5-75003652-C-T.
Other names: c.58G>A, p.Glu20Lys (NM_152408.3); c.133G>A (NM_001099271.1); short protein forms E45K, E20K.
Identifiers: ClinVar variation 2185059 (VCV002185059.7), dbSNP rs375200977, ClinGen allele CA3310636.

ClinVar aggregate classification (germline): Uncertain significance. Review status: criteria provided, multiple submitters, no conflicts (2 of 4 stars). 2 submissions from 2 submitters: Uncertain significance (2). Last evaluated 2025-10-20.

Allele frequency attached by ClinVar (database versions not stated): gnomAD exomes 0.00005; gnomAD 0.00007; TOPMed 0.00007; ESP Exome Variant Server 0.00008; ExAC 0.00013.
gnomAD v4.1: 77 of 1,588,990 alleles (0.0048%); highest among the groups gnomAD compares: Non-Finnish European, 0.0062%; no homozygotes.

Submissions (2):

Labcorp Genetics (formerly Invitae), Labcorp
Classification: Uncertain significance. Last evaluated: 2025-10-20. Review status: criteria provided, single submitter. Criteria: Invitae Variant Classification Sherloc (09022015). Collection method: clinical testing. Allele origin: germline.
Comment: This sequence change replaces glutamic acid, which is acidic and polar, with lysine, which is basic and polar, at codon 45 of the POC5 protein (p.Glu45Lys). This variant is present in population databases (rs375200977, gnomAD 0.009%). This variant has not been reported in the literature in individuals affected with POC5-related conditions. ClinVar contains an entry for this variant (Variation ID: 2185059). An algorithm developed to predict the effect of missense changes on protein structure and function (PolyPhen-2) suggests that this variant is likely to be tolerated. Algorithms developed to predict the effect of sequence changes on RNA splicing suggest that this variant may disrupt the consensus splice site. In summary, the available evidence is currently insufficient to determine the role of this variant in disease. Therefore, it has been classified as a Variant of Uncertain Significance.

Ambry Genetics
Classification: Uncertain significance. Last evaluated: 2025-05-29. Review status: criteria provided, single submitter. Criteria: Ambry Variant Classification Scheme 2023. Collection method: clinical testing. Allele origin: germline.